The following is an entry in ClinVar:

NM_015178.3(RHOBTB2):c.613C>G (p.Arg205Gly)

Gene: RHOBTB2 (Rho related BTB domain containing 2; plus strand). Cytogenetic location: 8p21.3.
Variant type: single nucleotide variant.
Coding change: c.613C>G on transcript NM_015178.3 (MANE Select); coding-DNA position 613, C replaced by G.
Protein change: p.Arg205Gly; replaces arginine 205 with glycine.
Molecular consequence: missense variant.
Genome position (GRCh38, 1-based): chr8:23,006,858, C>G. VCF-style: chr8-23006858-C-G. GRCh37 (hg19) VCF-style: chr8-22864371-C-G.
Other names: c.679C>G, p.Arg227Gly (NM_001160036.2); c.634C>G, p.Arg212Gly (NM_001160037.2); c.613C>G, p.Arg205Gly (NM_001374791.1); short protein forms R212G, R205G, R227G.
Identifiers: ClinVar variation 2087897 (VCV002087897.4), dbSNP rs773780599, ClinGen allele CA370564286.

ClinVar aggregate classification (germline): Uncertain significance (1 of 4 stars; one submission).

Submission:

Labcorp Genetics (formerly Invitae), Labcorp
Classification: Uncertain significance. Last evaluated: 2022-04-20. Review status: criteria provided, single submitter. Criteria: Invitae Variant Classification Sherloc (09022015). Collection method: clinical testing. Allele origin: germline.
Comment: Algorithms developed to predict the effect of missense changes on protein structure and function (SIFT, PolyPhen-2, Align-GVGD) all suggest that this variant is likely to be disruptive. This sequence change replaces arginine, which is basic and polar, with glycine, which is neutral and non-polar, at codon 227 of the RHOBTB2 protein (p.Arg227Gly). This variant is not present in population databases (gnomAD no frequency). This variant has not been reported in the literature in individuals affected with RHOBTB2-related conditions. In summary, the available evidence is currently insufficient to determine the role of this variant in disease. Therefore, it has been classified as a Variant of Uncertain Significance.